The following is an entry in ClinVar:

NM_001347721.2(DYRK1A):c.607A>C (p.Lys203Gln)

Gene: DYRK1A (dual specificity tyrosine phosphorylation regulated kinase 1A; plus strand). Cytogenetic location: 21q22.13.
Variant type: single nucleotide variant.
Coding change: c.607A>C on transcript NM_001347721.2 (MANE Select); coding-DNA position 607, A replaced by C.
Protein change: p.Lys203Gln; replaces lysine 203 with glutamine.
Molecular consequence: missense variant.
Genome position (GRCh38, 1-based): chr21:37,486,584, A>C. VCF-style: chr21-37486584-A-C. GRCh37 (hg19) VCF-style: chr21-38858886-A-C.
Other names: c.607A>C, p.Lys203Gln (NM_001347722.2, NM_130436.2); c.520A>C, p.Lys174Gln (NM_001347723.2); c.634A>C, p.Lys212Gln (NM_001396.5, NM_101395.2, NM_130438.2); short protein forms K174Q, K203Q, K212Q.
Identifiers: ClinVar variation 4540078 (VCV004540078.1).

ClinVar aggregate classification (germline): Uncertain significance (1 of 4 stars; one submission).

Submission:

GeneDx
Classification: Uncertain significance. Last evaluated: 2025-06-21. Review status: criteria provided, single submitter. Criteria: GeneDx Variant Classification Process June 2021. Collection method: clinical testing. Allele origin: germline. Affected: yes.
Comment: Not observed at significant frequency in large population cohorts (gnomAD); In silico analysis suggests that this missense variant does not alter protein structure/function; Has not been previously published as pathogenic or benign to our knowledge